The following is an entry in ClinVar:

ClinVar aggregate classification (germline): Conflicting classifications of pathogenicity. Review status: criteria provided, conflicting classifications (1 of 4 stars). 7 submissions from 7 submitters: Uncertain significance (6); Likely benign (1). Last evaluated 2026-05-13.

Conditions:
Autosomal recessive nonsyndromic hearing loss 18B. Also called: Deafness, autosomal recessive 18b. Identifiers: Orphanet 90636, MedGen C3554163, MONDO:0013985, OMIM 614945.
OTOG-related disorder. Also called: OTOG-related condition.

Allele frequency attached by ClinVar (database versions not stated): 1000 Genomes Project 30x 0.00078; 1000 Genomes Project 0.00080; TOPMed 0.00081.
gnomAD v4.1: 1,729 of 1,549,366 alleles (0.11%); highest among the groups gnomAD compares: Non-Finnish European, 0.14%; 2 homozygotes.

Submissions (7):

PreventionGenetics, part of Exact Sciences
Classification: Uncertain significance for OTOG-related condition. Last evaluated: 2026-05-13. Review status: criteria provided, single submitter. Criteria: ACMG Guidelines, 2015. Collection method: clinical testing. Allele origin: germline.
Comment: The OTOG c.6215G>A variant is predicted to result in the amino acid substitution p.Arg2072His. To our knowledge, this variant has not been reported in the literature. This variant is reported in 0.15% of alleles in individuals of European (Non-Finnish) descent in gnomAD. Although we suspect that this variant may be benign, at this time, the clinical significance of this variant is uncertain due to the absence of conclusive functional and genetic evidence.

CeGaT Center for Human Genetics Tuebingen
Classification: Likely benign. Last evaluated: 2026-04-01. Review status: criteria provided, single submitter. Criteria: CeGaT Center For Human Genetics Tuebingen Variant Classification Criteria Version 2. Collection method: clinical testing. Allele origin: germline. Affected: yes. Observed: 2 variant alleles.
Comment: OTOG: BP4, BS1

Labcorp Genetics (formerly Invitae), Labcorp
Classification: Uncertain significance. Last evaluated: 2026-01-22. Review status: criteria provided, single submitter. Criteria: Invitae Variant Classification Sherloc (09022015). Collection method: clinical testing. Allele origin: germline.
Comment: This sequence change replaces arginine, which is basic and polar, with histidine, which is basic and polar, at codon 2072 of the OTOG protein (p.Arg2072His). This variant is present in population databases (rs188527711, gnomAD 0.1%), and has an allele count higher than expected for a pathogenic variant. This variant has not been reported in the literature in individuals affected with OTOG-related conditions. ClinVar contains an entry for this variant (Variation ID: 451001). An algorithm developed to predict the effect of missense changes on protein structure and function (PolyPhen-2) suggests that this variant is likely to be disruptive. In summary, the available evidence is currently insufficient to determine the role of this variant in disease. Therefore, it has been classified as a Variant of Uncertain Significance.

Blueprint Genetics
Classification: Uncertain significance. Last evaluated: 2024-11-07. Review status: criteria provided, single submitter. Criteria: ACMG Guidelines, 2015. Collection method: clinical testing. Allele origin: germline.

GeneDx
Classification: Uncertain significance. Last evaluated: 2021-05-19. Review status: criteria provided, single submitter. Criteria: GeneDx Variant Classification Process June 2021. Collection method: clinical testing. Allele origin: germline. Affected: yes.
Comment: In silico analysis supports that this missense variant does not alter protein structure/function; Has not been previously reported as pathogenic or benign in association with hearing loss to our knowledge; This variant is associated with the following publications: (PMID: 28050010)

Fulgent Genetics
Classification: Uncertain significance for Autosomal recessive nonsyndromic hearing loss 18B. Last evaluated: 2018-10-31. Review status: criteria provided, single submitter. Criteria: ACMG Guidelines, 2015. Collection method: clinical testing. Allele origin: unknown.

Laboratory for Molecular Medicine, Mass General Brigham Personalized Medicine
Classification: Uncertain significance. Last evaluated: 2017-08-10. Review status: criteria provided, single submitter. Criteria: LMM Criteria. Collection method: clinical testing. Allele origin: germline. Observed: 1 variant allele.
Comment: The p.Arg2072His variant in OTOG has not been previously reported in individuals with hearing loss but has been identified in 0.14% (93/66920) of European chrom osomes by the Genome Aggregation Database (gnomAD. org; dbSNP rs188527711). Although this variant has been seen in the general popu lation, its frequency is not high enough to rule out a pathogenic role. Computat ional prediction tools and conservation analysis do not provide strong support f or or against an impact to the protein. In summary, the clinical significance of the p.Arg2072His variant is uncertain.

Literature cited by the submitters: PubMed 28050010 (cited by Laboratory for Molecular Medicine, Mass General Brigham Personalized Medicine).

NM_001292063.2(OTOG):c.6179G>A (p.Arg2060His)

Gene: OTOG (otogelin; plus strand). Cytogenetic location: 11p15.1.
Variant type: single nucleotide variant.
Coding change: c.6179G>A on transcript NM_001292063.2 (MANE Select); coding-DNA position 6179, G replaced by A.
Protein change: p.Arg2060His; replaces arginine 2060 with histidine.
Molecular consequence: missense variant.
Genome position (GRCh38, 1-based): chr11:17,612,217, G>A. VCF-style: chr11-17612217-G-A. GRCh37 (hg19) VCF-style: chr11-17633764-G-A.
Other names: c.6215G>A, p.Arg2072His (NM_001277269.2); short protein forms R2072H, R2060H.
Identifiers: ClinVar variation 451001 (VCV000451001.29), dbSNP rs188527711, ClinGen allele CA5906000.